The following is an entry in ClinVar:

ClinVar aggregate classification (germline): Pathogenic (1 of 4 stars; one submission).

Conditions:
Nance-Horan syndrome (NHS). Identifiers: Orphanet 627, MedGen C0796085, MONDO:0010545, OMIM 302350.

Submission:

Labcorp Genetics (formerly Invitae), Labcorp
Classification: Pathogenic for Nance-Horan syndrome. Last evaluated: 2019-06-17. Review status: criteria provided, single submitter. Criteria: Invitae Variant Classification Sherloc (09022015). Collection method: clinical testing. Allele origin: germline.
Comment: For these reasons, this variant has been classified as Pathogenic. Loss-of-function variants in NHS are known to be pathogenic (PMID: 14564667, 19414485). This variant has not been reported in the literature in individuals with NHS-related conditions. This variant is not present in population databases (ExAC no frequency). This sequence change creates a premature translational stop signal (p.His1074Glnfs*4) in the NHS gene. It is expected to result in an absent or disrupted protein product.

Literature cited by the submitters: PubMed 14564667; PubMed 19414485.

NM_001291867.2(NHS):c.3285del (p.His1095fs)

Gene: NHS (NHS actin remodeling regulator; plus strand). Cytogenetic location: Xp22.13.
Variant type: Deletion.
Coding change: c.3285del on transcript NM_001291867.2 (MANE Select); coding-DNA position 3285, one base deleted (T; older notation c.3285delT).
Protein change: p.His1095fs; shifts the reading frame from histidine 1095.
Molecular consequence: frameshift variant.
Genome position (GRCh38, 1-based): chrX:17,727,391, T deleted. VCF-style (leftmost placement, unchanged base first): chrX-17727390-AT-A. GRCh37 (hg19) VCF-style: chrX-17745510-AT-A.
Other names: c.2754del, p.His918fs (NM_001136024.4); c.2691del, p.His897fs (NM_001291868.2); c.3222del, p.His1074fs (NM_198270.4); short protein forms H918fs, H1074fs, H1095fs, H897fs.
Identifiers: ClinVar variation 837673 (VCV000837673.7), dbSNP rs2066454000, ClinGen allele CA916083853.